The following is an entry in ClinVar:

ClinVar aggregate classification (germline): Uncertain significance. Review status: criteria provided, multiple submitters, no conflicts (2 of 4 stars). 2 submissions from 2 submitters: Uncertain significance (2). Last evaluated 2023-01-10.

Conditions:
Inborn genetic diseases. Identifiers: MedGen C0950123, MeSH D030342.
Hyperekplexia 3 (HKPX3). Also called: HYPEREKPLEXIA 3, AUTOSOMAL RECESSIVE; HYPEREKPLEXIA 3, AUTOSOMAL DOMINANT. Identifiers: Orphanet 3197, MedGen C3553288, MONDO:0013827, OMIM 614618.

Allele frequency attached by ClinVar (database versions not stated): gnomAD exomes 0.00003; ExAC 0.00004; gnomAD 0.00006 and 0.00007; TOPMed 0.00006; ESP Exome Variant Server 0.00015.
gnomAD v4.1: 75 of 1,613,420 alleles (0.0046%); highest among the groups gnomAD compares: Middle Eastern, 0.033%; no homozygotes.

Submissions (2):

Ambry Genetics
Classification: Uncertain significance for Inborn genetic diseases. Last evaluated: 2023-01-10. Review status: criteria provided, single submitter. Criteria: Ambry Variant Classification Scheme 2023. Collection method: clinical testing. Allele origin: germline.

Labcorp Genetics (formerly Invitae), Labcorp
Classification: Uncertain significance for Hyperekplexia 3. Last evaluated: 2022-10-05. Review status: criteria provided, single submitter. Criteria: Invitae Variant Classification Sherloc (09022015). Collection method: clinical testing. Allele origin: germline.
Comment: This sequence change replaces isoleucine, which is neutral and non-polar, with valine, which is neutral and non-polar, at codon 244 of the SLC6A5 protein (p.Ile244Val). This variant is present in population databases (rs200933754, gnomAD 0.006%). This variant has not been reported in the literature in individuals affected with SLC6A5-related conditions. ClinVar contains an entry for this variant (Variation ID: 1403328). Advanced modeling of protein sequence and biophysical properties (such as structural, functional, and spatial information, amino acid conservation, physicochemical variation, residue mobility, and thermodynamic stability) performed at Invitae indicates that this missense variant is not expected to disrupt SLC6A5 protein function. In summary, the available evidence is currently insufficient to determine the role of this variant in disease. Therefore, it has been classified as a Variant of Uncertain Significance.

NM_004211.5(SLC6A5):c.730A>G (p.Ile244Val)

Gene: SLC6A5 (solute carrier family 6 member 5; plus strand). Cytogenetic location: 11p15.1.
Variant type: single nucleotide variant.
Coding change: c.730A>G on transcript NM_004211.5 (MANE Select); coding-DNA position 730, A replaced by G.
Protein change: p.Ile244Val; replaces isoleucine 244 with valine.
Molecular consequence: missense variant.
Genome position (GRCh38, 1-based): chr11:20,607,057, A>G. VCF-style: chr11-20607057-A-G. GRCh37 (hg19) VCF-style: chr11-20628603-A-G.
Other names: c.28A>G, p.Ile10Val (NM_001318369.2); c.730A>G (NM_004211.3); short protein forms I10V, I244V.
Identifiers: ClinVar variation 1403328 (VCV001403328.6), dbSNP rs200933754, ClinGen allele CA5921190.